The following is an entry in ClinVar:

ClinVar aggregate classification (germline): Uncertain significance (0 of 4 stars; one submission).

Conditions:
PCNT-related disorder. Also called: PCNT-related condition.

gnomAD v4.1: 33 of 1,614,128 alleles (0.002%); highest among the groups gnomAD compares: South Asian, 0.024%; no homozygotes.

Submission:

PreventionGenetics, part of Exact Sciences
Classification: Uncertain significance for PCNT-related condition. Last evaluated: 2024-05-08. Review status: no assertion criteria provided. Collection method: clinical testing. Allele origin: germline.
Comment: The PCNT c.7813G>A variant is predicted to result in the amino acid substitution p.Val2605Ile. To our knowledge, this variant has not been reported in the literature. This variant is reported in 0.020% of alleles in individuals of South Asian descent in gnomAD. At this time, the clinical significance of this variant is uncertain due to the absence of conclusive functional and genetic evidence.

NM_006031.6(PCNT):c.7813G>A (p.Val2605Ile)

Gene: PCNT (pericentrin; plus strand). Cytogenetic location: 21q22.3.
Variant type: single nucleotide variant.
Coding change: c.7813G>A on transcript NM_006031.6 (MANE Select); coding-DNA position 7813, G replaced by A.
Protein change: p.Val2605Ile; replaces valine 2605 with isoleucine.
Molecular consequence: missense variant.
Genome position (GRCh38, 1-based): chr21:46,430,132, G>A. VCF-style: chr21-46430132-G-A. GRCh37 (hg19) VCF-style: chr21-47850046-G-A.
Other names: c.7459G>A, p.Val2487Ile (NM_001315529.2); short protein forms V2487I, V2605I.
Identifiers: ClinVar variation 3358686 (VCV003358686.1).